The following is an entry in ClinVar:

NM_000751.3(CHRND):c.932+5G>A

Gene: CHRND (cholinergic receptor nicotinic delta subunit; plus strand). Cytogenetic location: 2q37.1.
Variant type: single nucleotide variant.
Coding change: c.932+5G>A on transcript NM_000751.3 (MANE Select); 5 bases into the intron after coding-DNA position 932, G replaced by A.
Molecular consequence: intron variant.
Genome position (GRCh38, 1-based): chr2:232,531,468, G>A. VCF-style: chr2-232531468-G-A. GRCh37 (hg19) VCF-style: chr2-233396178-G-A.
Other names: c.350+5G>A (NM_001311195.2); c.629+5G>A (NM_001311196.2); c.887+5G>A (NM_001256657.2).
Identifiers: ClinVar variation 210730 (VCV000210730.8), dbSNP rs797045474, ClinGen allele CA205449.
Genomic context (GRCh38, chr2:232,531,468, plus strand): 5'-CTGCTCATCTCCAAGCGTCTGCCTGCCACATCCATGGCCATCCCCCTTATCGGCAAGTGA[G>A]TGACGCTCAAGCCCGGCCTCACCCTGCTTGCCAGCCCAGCCCTGGGAGCTCCAAGCTGAG-3'

ClinVar aggregate classification (germline): Conflicting classifications of pathogenicity. Review status: criteria provided, conflicting classifications (1 of 4 stars). 2 submissions from 2 submitters: Likely pathogenic (1); Uncertain significance (1). Last evaluated 2022-02-08.

gnomAD v4.1: 3 of 1,613,934 alleles (0.00019%); highest among the groups gnomAD compares: South Asian, 0.0033%; no homozygotes.

Submissions (2):

GeneDx
Classification: Likely pathogenic. Last evaluated: 2022-02-08. Review status: criteria provided, single submitter. Criteria: GeneDx Variant Classification Process June 2021. Collection method: clinical testing. Allele origin: germline. Affected: yes.
Comment: Intronic +5 splice site variant in a gene for which loss-of-function is a known mechanism of disease, and splice predictors support a deleterious effect; Not observed at significant frequency in large population cohorts (gnomAD); This variant is associated with the following publications: (PMID: 32978031, 27241786)

Genetic Services Laboratory, University of Chicago
Classification: Uncertain significance. Last evaluated: 2014-12-02. Review status: criteria provided, single submitter. Criteria: ACMG Guidelines, 2015. Collection method: clinical testing. Allele origin: germline.